The following is an entry in ClinVar:

NM_007103.4(NDUFV1):c.456C>T (p.Arg152=)

Gene: NDUFV1 (NADH:ubiquinone oxidoreductase core subunit V1; plus strand). Cytogenetic location: 11q13.2.
Variant type: single nucleotide variant.
Coding change: c.456C>T on transcript NM_007103.4 (MANE Select); coding-DNA position 456, C replaced by T.
Protein change: p.Arg152=; no amino-acid change (arginine 152 retained).
Molecular consequence: synonymous variant.
Genome position (GRCh38, 1-based): chr11:67,609,581, C>T. VCF-style: chr11-67609581-C-T. GRCh37 (hg19) VCF-style: chr11-67377052-C-T.
Other names: c.429C>T, p.Arg143= (NM_001166102.2); c.456C>T (NM_007103.3).
Identifiers: ClinVar variation 1576008 (VCV001576008.10), dbSNP rs776633893, ClinGen allele CA6143181.
Genomic context (GRCh38, chr11:67,609,581, plus strand): 5'-CCATGATCCTCACAAGCTGCTGGAAGGCTGCCTGGTGGGGGGCCGGGCCATGGGCGCCCG[C>T]GCTGCCTATATCTACATCCGAGGGGAATTCTACAATGAGGCCTCCAATCTGCAGGTGGGT-3'
Protein context (NP_009034.2, residues 142-162): CLVGGRAMGA[Arg152=]AAYIYIRGEF

ClinVar aggregate classification (germline): Benign. Review status: criteria provided, single submitter (1 of 4 stars). 2 submissions from 2 submitters: Benign (1). 1 of the submissions does not count toward it. Last evaluated 2024-07-02.

Conditions:
NDUFV1-related disorder. Also called: NDUFV1-related condition; NDUFV1-related disorders.

Allele frequency attached by ClinVar (database versions not stated): gnomAD 0.00003; TOPMed 0.00003; gnomAD exomes 0.00008 and 0.00012; ExAC 0.00010.
gnomAD v4.1: 121 of 1,611,548 alleles (0.0075%); highest among the groups gnomAD compares: South Asian, 0.11%; 1 homozygote.

Submissions (2):

Labcorp Genetics (formerly Invitae), Labcorp
Classification: Benign. Last evaluated: 2024-07-02. Review status: criteria provided, single submitter. Criteria: Invitae Variant Classification Sherloc (09022015). Collection method: clinical testing. Allele origin: germline.

PreventionGenetics, part of Exact Sciences
Classification: Likely benign for NDUFV1-related condition. Last evaluated: 2024-06-18. Review status: no assertion criteria provided. Collection method: clinical testing. Allele origin: germline. Not counted in ClinVar's aggregate classification.
Comment: This variant is classified as likely benign based on ACMG/AMP sequence variant interpretation guidelines (Richards et al. 2015 PMID: 25741868, with internal and published modifications).